The following is an entry in ClinVar:

ClinVar aggregate classification (germline): Likely pathogenic (1 of 4 stars; one submission).

Conditions:
Diastrophic dysplasia (DTD). Also called: Diastrophic dwarfism. Identifiers: Orphanet 628, MedGen C0220726, MONDO:0009107, OMIM 222600.

Submission:

Centro Nacional de Genética Medica, Administración Nacional de Laboratorios e Institutos de Salud (ANLIS) “Dr. Carlos G Malbrán”
Classification: Likely pathogenic for Diastrophic dysplasia. Last evaluated: 2026-05-11. Review status: criteria provided, single submitter. Criteria: ACMG Guidelines, 2015. Collection method: clinical testing. Allele origin: germline. Affected: yes. Observed: 2 variant alleles.
Comment: This variant corresponds to a thymine-to-adenine substitution in the coding sequence of exon 2 of the three exons of the SLC26A2 gene. Consequently, a premature (nonsense) stop codon (p.Leu204*) is predicted for the amino acid leucine at position 611. This type of variant typically results in the deletion of messenger RNA through nonsense-mediated decay (NMD) (PMID: 16757948;17352659). SLC26A2 is a gene with low tolerance for loss-of-function variants, with 201 such variants described to date, all of which are pathogenic. This variant results in no translation and, consequently, an absence of protein (PVS1). This variant is absent from population databases such as GnomAD, ExAc, and 1000 Genomes (PM2_Supporting). Therefore, and following the international rules of the American College of Medical Genetics (ACMG), the SLC26A2:c.611T>A variant, identified in heterozygosity and inherited from the father, is classified as likely pathogenic (PVS1, PM2_Supporting).

Literature cited by the submitters: PubMed 16757948; PubMed 17352659.

NM_000112.4(SLC26A2):c.611T>A (p.Leu204Ter)

Gene: SLC26A2 (solute carrier family 26 member 2; plus strand). Cytogenetic location: 5q32.
Variant type: single nucleotide variant.
Coding change: c.611T>A on transcript NM_000112.4 (MANE Select); coding-DNA position 611, T replaced by A.
Protein change: p.Leu204Ter; replaces leucine 204 with a stop codon.
Molecular consequence: nonsense.
Genome position (GRCh38, 1-based): chr5:149,978,263, T>A. VCF-style: chr5-149978263-T-A. GRCh37 (hg19) VCF-style: chr5-149357826-T-A.
Other names: short protein forms L204*.
Identifiers: ClinVar variation 4871686 (VCV004871686.1).